The following is an entry in ClinVar:

NM_002473.6(MYH9):c.3320G>A (p.Arg1107Gln)

Gene: MYH9 (myosin heavy chain 9; minus strand). Cytogenetic location: 22q12.3.
Variant type: single nucleotide variant.
Coding change: c.3320G>A on transcript NM_002473.6 (MANE Select); coding-DNA position 3320, G replaced by A.
Protein change: p.Arg1107Gln; replaces arginine 1107 with glutamine.
Molecular consequence: missense variant.
Genome position (GRCh38, 1-based): chr22:36,295,670, C>T on the plus strand (G>A on the coding strand, the complement: MYH9 is on the minus strand). VCF-style: chr22-36295670-C-T. GRCh37 (hg19) VCF-style: chr22-36691716-C-T.
Other names: c.3320G>A (NM_002473.5); short protein forms R1107Q.
Identifiers: ClinVar variation 341516 (VCV000341516.24), dbSNP rs137924205, ClinGen allele CA10209689.

ClinVar aggregate classification (germline): Conflicting classifications of pathogenicity. Review status: criteria provided, conflicting classifications (1 of 4 stars). 8 submissions from 7 submitters: Uncertain significance (2); Benign (2); Likely benign (3). 1 of the submissions does not count toward it. Last evaluated 2026-01-19.

Conditions:
Autosomal dominant nonsyndromic hearing loss 17. Also called: Deafness, autosomal dominant 17; Autosomal dominant nonsyndromic deafness 17. Identifiers: Orphanet 90635, MedGen C1863659, MONDO:0011350, OMIM 603622.
MYH9-related disorder. Identifiers: MedGen C1854520.

Allele frequency attached by ClinVar (database versions not stated): gnomAD 0.00003 and 0.00004; ESP Exome Variant Server 0.00008; gnomAD exomes 0.00008 and 0.00034; TOPMed 0.00012; ExAC 0.00028.
gnomAD v4.1: 123 of 1,613,688 alleles (0.0076%); highest among the groups gnomAD compares: Admixed American, 0.14%; no homozygotes.

Submissions (8):

Labcorp Genetics (formerly Invitae), Labcorp
Classification: Likely benign. Last evaluated: 2026-01-19. Review status: criteria provided, single submitter. Criteria: Invitae Variant Classification Sherloc (09022015). Collection method: clinical testing. Allele origin: germline.

GeneDx
Classification: Uncertain significance. Last evaluated: 2025-02-28. Review status: criteria provided, single submitter. Criteria: GeneDx Variant Classification Process June 2021. Collection method: clinical testing. Allele origin: germline. Affected: yes.
Comment: In silico analysis supports that this missense variant has a deleterious effect on protein structure/function; Has not been previously published as pathogenic or benign in association with MYH9-related disorders to our knowledge; This variant is associated with the following publications: (PMID: 27527345)

Blueprint Genetics
Classification: Likely benign. Last evaluated: 2023-04-18. Review status: criteria provided, single submitter. Criteria: ACMG Guidelines, 2015. Collection method: clinical testing. Allele origin: germline.

Revvity Omics, Revvity
Classification: Uncertain significance. Last evaluated: 2020-11-10. Review status: criteria provided, single submitter. Criteria: ACMG Guidelines, 2015. Collection method: clinical testing. Allele origin: germline.

Laboratory for Molecular Medicine, Mass General Brigham Personalized Medicine
Classification: Benign. Last evaluated: 2020-09-04. Review status: criteria provided, single submitter. Criteria: LMM Criteria. Collection method: clinical testing. Allele origin: germline. Observed: 1 variant allele.
Comment: The p.Arg1107Gln variant in MYH9 is classified as benign because it has been identified in 0.2% (75/34538) of Latino chromosomes by gnomAD. ACMG/AMP Criteria applied: BA1.

Illumina Laboratory Services, Illumina
Classification: Benign for MYH9-related disorder. Last evaluated: 2018-01-13. Review status: criteria provided, single submitter. Criteria: ICSL Variant Classification Criteria 13 December 2019. Collection method: clinical testing. Allele origin: germline.
Comment: This variant was observed in the ICSL laboratory as part of a predisposition screen in an ostensibly healthy population. It had not been previously curated by ICSL or reported in the Human Gene Mutation Database (HGMD: prior to June 1st, 2018), and was therefore a candidate for classification through an automated scoring system. Utilizing variant allele frequency, disease prevalence and penetrance estimates, and inheritance mode, an automated score was calculated to assess if this variant is too frequent to cause the disease. Based on the score and internal cut-off values, a variant classified as benign is not then subjected to further curation. The score for this variant resulted in a classification of benign for this disease.

Illumina Laboratory Services, Illumina
Classification: Likely benign for Autosomal dominant nonsyndromic hearing loss 17. Last evaluated: 2018-01-13. Review status: criteria provided, single submitter. Criteria: ICSL Variant Classification Criteria 13 December 2019. Collection method: clinical testing. Allele origin: germline.
Comment: This variant was observed in the ICSL laboratory as part of a predisposition screen in an ostensibly healthy population. It had not been previously curated by ICSL or reported in the Human Gene Mutation Database (HGMD: prior to June 1st, 2018), and was therefore a candidate for classification through an automated scoring system. Utilizing variant allele frequency, disease prevalence and penetrance estimates, and inheritance mode, an automated score was calculated to assess if this variant is too frequent to cause the disease. Based on the score and internal cut-off values, a variant classified as likely benign is not then subjected to further curation. The score for this variant resulted in a classification of likely benign for this disease.

PreventionGenetics, part of Exact Sciences
Classification: Likely benign for MYH9-related condition. Last evaluated: 2023-12-11. Review status: no assertion criteria provided. Collection method: clinical testing. Allele origin: germline. Not counted in ClinVar's aggregate classification.
Comment: This variant is classified as likely benign based on ACMG/AMP sequence variant interpretation guidelines (Richards et al. 2015 PMID: 25741868, with internal and published modifications).